The following is an entry in ClinVar:

NM_000891.3(KCNJ2):c.116C>T (p.Thr39Ile)

Gene: KCNJ2 (potassium inwardly rectifying channel subfamily J member 2; plus strand). Cytogenetic location: 17q24.3.
Variant type: single nucleotide variant.
Coding change: c.116C>T on transcript NM_000891.3 (MANE Select); coding-DNA position 116, C replaced by T.
Protein change: p.Thr39Ile; replaces threonine 39 with isoleucine.
Molecular consequence: missense variant.
Genome position (GRCh38, 1-based): chr17:70,175,155, C>T. VCF-style: chr17-70175155-C-T. GRCh37 (hg19) VCF-style: chr17-68171296-C-T.
Other names: short protein forms T39I.
Identifiers: ClinVar variation 4791893 (VCV004791893.1).

ClinVar aggregate classification (germline): Uncertain significance (1 of 4 stars; one submission).

Conditions:
Andersen Tawil syndrome (LQT7). Also called: ANDERSEN CARDIODYSRHYTHMIC PERIODIC PARALYSIS; LONG QT SYNDROME 7; PERIODIC PARALYSIS, POTASSIUM-SENSITIVE CARDIODYSRHYTHMIC TYPE; Andersen Syndrome; Potassium-sensitive periodic paralysis, ventricular ectopy, and dysmorphic features. Identifiers: Orphanet 37553, MedGen C1563715, MONDO:0008222, OMIM 170390.
Short QT syndrome type 3. Identifiers: Orphanet 51083, MedGen C1865018, MONDO:0012314, OMIM 609622.

gnomAD v4.1: 1 of 1,614,058 alleles (0.000062%); highest among the groups gnomAD compares: Non-Finnish European, 0.000085%; no homozygotes.

Submission:

Labcorp Genetics (formerly Invitae), Labcorp
Classification: Uncertain significance for Short QT syndrome type 3; Andersen Tawil syndrome. Last evaluated: 2025-09-23. Review status: criteria provided, single submitter. Criteria: Invitae Variant Classification Sherloc (09022015). Collection method: clinical testing. Allele origin: germline.
Comment: This sequence change replaces threonine, which is neutral and polar, with isoleucine, which is neutral and non-polar, at codon 39 of the KCNJ2 protein (p.Thr39Ile). This variant is present in population databases (no rsID available, gnomAD 0.007%). This variant has not been reported in the literature in individuals affected with KCNJ2-related conditions. Invitae Evidence Modeling of protein sequence and biophysical properties (such as structural, functional, and spatial information, amino acid conservation, physicochemical variation, residue mobility, and thermodynamic stability) has been performed for this missense variant. However, the output from this modeling did not meet the statistical confidence thresholds required to predict the impact of this variant on KCNJ2 protein function. In summary, the available evidence is currently insufficient to determine the role of this variant in disease. Therefore, it has been classified as a Variant of Uncertain Significance.